The following is an entry in ClinVar:

ClinVar aggregate classification (germline): Uncertain significance. Review status: criteria provided, multiple submitters, no conflicts (2 of 4 stars). 2 submissions from 2 submitters: Uncertain significance (2). Last evaluated 2020-10-30.

Conditions:
Myopathy, proximal, and ophthalmoplegia (CMYO6). Also called: INCLUSION BODY MYOPATHY 3, AUTOSOMAL DOMINANT; CONGENITAL MYOPATHY 6 WITH OPHTHALMOPLEGIA; MYOPATHY WITH CONGENITAL JOINT CONTRACTURES, OPHTHALMOPLEGIA, AND RIMMED VACUOLES. Identifiers: Orphanet 363677, Orphanet 79091, MedGen C1854106, MONDO:0011577, OMIM 605637.
Limb-girdle muscular dystrophy (LGMD). Also called: Muscular Dystrophies, Limb-Girdle. Identifiers: Orphanet 263, MedGen C0686353, MeSH D049288, MONDO:0016971, HP:0006785.

Allele frequency attached by ClinVar (database versions not stated): gnomAD exomes 0.00001.
gnomAD v4.1: 19 of 1,614,114 alleles (0.0012%); highest among the groups gnomAD compares: Non-Finnish European, 0.0016%; no homozygotes.

Submissions (2):

Labcorp Genetics (formerly Invitae), Labcorp
Classification: Uncertain significance for Myopathy, proximal, and ophthalmoplegia. Last evaluated: 2020-10-30. Review status: criteria provided, single submitter. Criteria: Invitae Variant Classification Sherloc (09022015). Collection method: clinical testing. Allele origin: germline.
Comment: In summary, the available evidence is currently insufficient to determine the role of this variant in disease. Therefore, it has been classified as a Variant of Uncertain Significance. Algorithms developed to predict the effect of missense changes on protein structure and function (SIFT, PolyPhen-2, Align-GVGD) all suggest that this variant is likely to be disruptive, but these predictions have not been confirmed by published functional studies and their clinical significance is uncertain. This variant has not been reported in the literature in individuals with MYH2-related conditions. This variant is not present in population databases (ExAC no frequency). This sequence change replaces arginine with isoleucine at codon 718 of the MYH2 protein (p.Arg718Ile). The arginine residue is highly conserved and there is a moderate physicochemical difference between arginine and isoleucine.

Cambridge Genomics Laboratory, East Genomic Laboratory Hub, NHS Genomic Medicine Service
Classification: Uncertain significance for Limb-girdle muscular dystrophy. Last evaluated: 2019-07-22. Review status: criteria provided, single submitter. Criteria: ACGS Best Practice Guidelines for Variant Classification in Rare Disease 2020. Collection method: clinical testing. Allele origin: germline. Affected: yes. Observed: 1 variant allele.

NM_017534.6(MYH2):c.2153G>T (p.Arg718Ile)

Genes: MYH2 (myosin heavy chain 2; minus strand), MYHAS (myosin heavy chain gene cluster antisense RNA; plus strand). Cytogenetic location: 17p13.1.
Variant type: single nucleotide variant.
Coding change: c.2153G>T on transcript NM_017534.6 (MANE Select); coding-DNA position 2153, G replaced by T.
Protein change: p.Arg718Ile; replaces arginine 718 with isoleucine.
Molecular consequence: missense variant.
Genome position (GRCh38, 1-based): chr17:10,535,100, C>A on the plus strand (G>T on the coding strand, the complement: MYH2 is on the minus strand). VCF-style: chr17-10535100-C-A. GRCh37 (hg19) VCF-style: chr17-10438417-C-A.
Other names: c.2153G>T, p.Arg718Ile (NM_001100112.2); short protein forms R718I.
Identifiers: ClinVar variation 1016797 (VCV001016797.6), dbSNP rs2073467818, ClinGen allele CA398150001.
Genomic context (GRCh38, chr17:10,535,100, plus strand): 5'-CTTCAGAATACACCATAATCAGGAGAAACTGACCTCTGTTTGAAGTCTGCATAAAGGATT[C>A]TGCTTGGAAATCCTTTCCTACAGATGCGGATGCCTTCCAGCACACCGTTACACCTCAGCT-3'
Protein context (NP_060004.3, residues 708-728): IRICRKGFPS[Arg718Ile]ILYADFKQRY